The following continues an entry in ClinVar:

NM_000155.4(GALT):c.940A>G (p.Asn314Asp)

Gene: GALT. ClinVar aggregate classification (germline): Benign. Benign (1).

Submissions 16 to 25 of 25:

Neuberg Centre For Genomic Medicine, NCGM
Classification: Pathogenic for Deficiency of UDPglucose-hexose-1-phosphate uridylyltransferase. Review status: criteria provided, single submitter. Criteria: ACMG Guidelines, 2015. Collection method: clinical testing. Allele origin: germline. Inheritance: Autosomal recessive inheritance. Affected: yes. Not counted in ClinVar's aggregate classification.
Comment: The missense variant c.940A>G (p.Asn314Asp) in the GALT gene has been reported previously in heterozygous and homozygous state in individuals affected with galactosemia. It is one of the most prevalent variants in the Indian population. This mutation effect may cause differences in the protein’s physiochemical characteristics that may be disturbed by either stabilizing or destabilizing the protein. Four variants in the GALT gene often occur together on the same chromosome (in cis) as part of a haplotype, which is referred to as the Duarte 2 variant: (c.378-27G>C, c.507+62G>A, c.508-24G>A, c.940A>G) (Kumar S et al., 2020; Klipstein et al., 2003; Lukac-Bajalo et al., 2002; Carney et al., 2009). This variant is reported with the allele frequency (9%) in the gnomAD Exomes. It is submitted to ClinVar with varying interpretations as Pathogenic/ Likely Pathogenic/ Benign/ Likely benign. The amino acid Asparagine at position 314 is changed to a Aspartic Acid changing protein sequence and it might alter its composition and physico-chemical properties. Multiple lines of computational evidence (Polyphen - Benign, SIFT - Tolerated and MutationTaster-Polymorphism) predict no damaging effect on protein structure and function for this variant. The amino acid change p.Asn314Asp in GALT is predicted as conserved by GERP++ and PhyloP across 100 vertebrates. For these reasons, this variant has been classified as Pathogenic. In the absence of another reportable variant, the molecular diagnosis is not confirmed.

UNC Molecular Genetics  Laboratory, University of North Carolina at Chapel Hill
Classification: Likely pathogenic for Deficiency of UDPglucose-hexose-1-phosphate uridylyltransferase. Review status: criteria provided, single submitter. Criteria: ACMG Guidelines, 2015. Collection method: research. Allele origin: germline. Affected: no. Observed: 5 variant alleles. Study: NSIGHT-NC NEXUS. Not counted in ClinVar's aggregate classification.
Comment: Four variants in the GALT gene often occur together on the same chromosome (in cis) as part of a haplotype, which is referred to as the Duarte 2 variant: (c.378-27G>C, c.507+62G>A, c.508-24G>A, c.940A>G). Individuals that inherit the Duarte 2 variant from one parent and a more severe GALT variant from the other parent are affected with Duarte galactosemia, and typically have milder features of galactosemia (PMID: 25473725; 24718839; 19224951; 10424825).

carrier finding

PreventionGenetics, part of Exact Sciences
Classification: Likely benign for GALT-related condition. Last evaluated: 2019-06-21. Review status: no assertion criteria provided. Collection method: clinical testing. Allele origin: germline. Not counted in ClinVar's aggregate classification.
Comment: This variant is classified as likely benign based on ACMG/AMP sequence variant interpretation guidelines (Richards et al. 2015 PMID: 25741868, with internal and published modifications).

Counsyl
Classification: Benign for Deficiency of UDPglucose-hexose-1-phosphate uridylyltransferase. Last evaluated: 2017-09-11. Review status: no assertion criteria provided. Collection method: clinical testing. Allele origin: unknown. Not counted in ClinVar's aggregate classification.

Division of Human Genetics, Children's Hospital of Philadelphia
Classification: Pathogenic for Deficiency of UDPglucose-hexose-1-phosphate uridylyltransferase. Last evaluated: 2016-06-10. Review status: no assertion criteria provided. Collection method: research. Allele origin: germline. Study: CSER-PediSeq. Not counted in ClinVar's aggregate classification.

Women's Health and Genetics/Laboratory Corporation of America, LabCorp
Classification: Benign for Deficiency of UDPglucose-hexose-1-phosphate uridylyltransferase. Last evaluated: 2015-10-06. Review status: no assertion criteria provided. Collection method: clinical testing. Allele origin: germline. Not counted in ClinVar's aggregate classification.

OMIM
Classification: Benign for GALT POLYMORPHISM (DUARTE, D2). Last evaluated: 2009-05-01. Review status: no assertion criteria provided. Collection method: literature only. Allele origin: germline. Not counted in ClinVar's aggregate classification.

Department of Pathology and Laboratory Medicine, Sinai Health System
Classification: Uncertain significance. Review status: no assertion criteria provided. Collection method: clinical testing. Allele origin: unknown. Affected: yes. Observed: 1 variant allele. Study: The Canadian Open Genetics Repository (COGR). Not counted in ClinVar's aggregate classification.

GeneReviews
No classification provided. Condition: Deficiency of UDPglucose-hexose-1-phosphate uridylyltransferase. Review status: no classification provided. Collection method: literature only. Allele origin: germline. Affected: yes. Not counted in ClinVar's aggregate classification.

Lifecell International Pvt. Ltd
Classification: Benign for Deficiency of UDPglucose-hexose-1-phosphate uridylyltransferase. Review status: no assertion criteria provided. Collection method: clinical testing. Allele origin: germline. Inheritance: Autosomal recessive inheritance. Affected: yes. Observed: 1 variant allele, 1 homozygote. Not counted in ClinVar's aggregate classification.

Literature cited by the submitters: PubMed 8825075 (cited by Clingen Galactosemia Variant Curation Expert Panel, ClinGen); PubMed 9012409 (cited by 3 submitters); PubMed 25614870 (cited by 3 submitters); PubMed 25473725 (cited by Mendelics); PubMed 24718839 (cited by UNC Molecular Genetics  Laboratory, University of North Carolina at Chapel Hill); PubMed 19224951 (cited by 3 submitters); PubMed 10424825 (cited by UNC Molecular Genetics  Laboratory, University of North Carolina at Chapel Hill and OMIM); PubMed 2011574 (cited by Counsyl and OMIM); PubMed 11152465 (cited by Counsyl and Division of Human Genetics, Children's Hospital of Philadelphia); PubMed 8198125 (cited by Division of Human Genetics, Children's Hospital of Philadelphia and OMIM); PubMed 21228398 (cited by Division of Human Genetics, Children's Hospital of Philadelphia); PubMed 9222760 (cited by Division of Human Genetics, Children's Hospital of Philadelphia); PubMed 22963887 (cited by Division of Human Genetics, Children's Hospital of Philadelphia); PubMed 19581158 (cited by Division of Human Genetics, Children's Hospital of Philadelphia); PubMed 8892021 (cited by 3 submitters); PubMed 25087612 (cited by Division of Human Genetics, Children's Hospital of Philadelphia); PubMed 25592817 (cited by Division of Human Genetics, Children's Hospital of Philadelphia); Holton, J. B., Walter, J. H., Tyfield, L. A. Galactosemia. In: Scriver, C. R., Beaudet, A. L., Sly, W. S., Valle, D. (eds.) The Metabolic and Molecular Bases of Inherited Disease. Vol. II. (7th ed.) New York: McGraw-Hill (pub.) 2297-2326, 2001. (cited by OMIM); PubMed 7550229 (cited by OMIM); PubMed 11261429 (cited by OMIM); PubMed 11479743 (cited by OMIM); PubMed 4759900 (cited by GeneReviews); NCBI Bookshelf NBK258640 (cited by GeneReviews).